The following is an entry in ClinVar:

ClinVar aggregate classification (germline): Uncertain significance (1 of 4 stars; one submission).

Conditions:
Hereditary cancer-predisposing syndrome. Also called: Tumor predisposition; Hereditary Cancer Syndrome; Hereditary neoplastic syndrome; Neoplastic Syndromes, Hereditary. Identifiers: Orphanet 140162, MedGen C0027672, MeSH D009386, MONDO:0015356.

Submission:

Ambry Genetics
Classification: Uncertain significance for Hereditary cancer-predisposing syndrome. Last evaluated: 2023-09-05. Review status: criteria provided, single submitter. Criteria: Ambry Variant Classification Scheme 2023. Collection method: clinical testing. Allele origin: germline.
Comment: The p.D674V variant (also known as c.2021A>T), located in coding exon 13 of the BRIP1 gene, results from an A to T substitution at nucleotide position 2021. The aspartic acid at codon 674 is replaced by valine, an amino acid with highly dissimilar properties. This amino acid position is conserved. In addition, this alteration is predicted to be deleterious by in silico analysis. Since supporting evidence is limited at this time, the clinical significance of this alteration remains unclear.

NM_032043.3(BRIP1):c.2021A>T (p.Asp674Val)

Gene: BRIP1 (BRCA1 interacting DNA helicase 1; minus strand). Cytogenetic location: 17q23.2.
Variant type: single nucleotide variant.
Coding change: c.2021A>T on transcript NM_032043.3 (MANE Select); coding-DNA position 2021, A replaced by T.
Protein change: p.Asp674Val; replaces aspartic acid 674 with valine.
Molecular consequence: missense variant.
Genome position (GRCh38, 1-based): chr17:61,776,477, T>A on the plus strand (A>T on the coding strand, the complement: BRIP1 is on the minus strand). VCF-style: chr17-61776477-T-A. GRCh37 (hg19) VCF-style: chr17-59853838-T-A.
Other names: short protein forms D674V.
Identifiers: ClinVar variation 2624593 (VCV002624593.2), dbSNP rs1555601087, ClinGen allele CA400478302.